The following is an entry in ClinVar:

NM_015978.3(TNNI3K):c.826C>T (p.Leu276=)

Genes: FPGT-TNNI3K (FPGT-TNNI3K readthrough; plus strand), TNNI3K (TNNI3 interacting kinase; plus strand). Cytogenetic location: 1p31.1.
Variant type: single nucleotide variant.
Coding change: c.826C>T on transcript NM_015978.3 (MANE Select); coding-DNA position 826, C replaced by T.
Protein change: p.Leu276=; no amino-acid change (leucine 276 retained).
Molecular consequence: synonymous variant.
Genome position (GRCh38, 1-based): chr1:74,342,985, C>T. VCF-style: chr1-74342985-C-T. GRCh37 (hg19) VCF-style: chr1-74808669-C-T.
Other names: c.1129C>T, p.Leu377= (NM_001112808.3, NM_001199327.2).
Identifiers: ClinVar variation 3677208 (VCV003677208.2).
Genomic context (GRCh38, chr1:74,342,985, plus strand): 5'-CAAAGTGATTTGGAAGTTCAACCTCATGTTGTTAATATCTATGGAGATACCCCCTTACAC[C>T]TGTGAGTATTATGTAGCATTCCATAGGTTCTCCAGGTATACTGCATGTACTTGCTTACAA-3'
Protein context (NP_057062.1, residues 266-286): VNIYGDTPLH[Leu276=]ACYNGKFEVA

ClinVar aggregate classification (germline): Uncertain significance (1 of 4 stars; one submission).

Submission:

Labcorp Genetics (formerly Invitae), Labcorp
Classification: Uncertain significance. Last evaluated: 2024-03-16. Review status: criteria provided, single submitter. Criteria: Invitae Variant Classification Sherloc (09022015). Collection method: clinical testing. Allele origin: germline.
Comment: This sequence change affects codon 276 of the TNNI3K mRNA. It is a 'silent' change, meaning that it does not change the encoded amino acid sequence of the TNNI3K protein. It affects a nucleotide within the consensus splice site. This variant is not present in population databases (gnomAD no frequency). This variant has not been reported in the literature in individuals affected with TNNI3K-related conditions. Algorithms developed to predict the effect of sequence changes on RNA splicing suggest that this variant is not likely to affect RNA splicing. In summary, the available evidence is currently insufficient to determine the role of this variant in disease. Therefore, it has been classified as a Variant of Uncertain Significance.